The following is an entry in ClinVar:

ClinVar aggregate classification (germline): Uncertain significance (0 of 4 stars; one submission).

Conditions:
TRPM1-related disorder. Also called: TRPM1-related condition.

Submission:

PreventionGenetics, part of Exact Sciences
Classification: Uncertain significance for TRPM1-related condition. Last evaluated: 2024-05-04. Review status: no assertion criteria provided. Collection method: clinical testing. Allele origin: germline.
Comment: The TRPM1 c.3281T>C variant is predicted to result in the amino acid substitution p.Leu1094Pro. To our knowledge, this variant has not been reported in the literature or in a large population database, indicating this variant is rare. At this time, the clinical significance of this variant is uncertain due to the absence of conclusive functional and genetic evidence.

NM_001252024.2(TRPM1):c.3230T>C (p.Leu1077Pro)

Genes: TRPM1 (transient receptor potential cation channel subfamily M member 1; minus strand), TRPM1-AS1 (TRPM1 antisense RNA 1; plus strand). Cytogenetic location: 15q13.3.
Variant type: single nucleotide variant.
Coding change: c.3230T>C on transcript NM_001252024.2 (MANE Select); coding-DNA position 3230, T replaced by C.
Protein change: p.Leu1077Pro; replaces leucine 1077 with proline.
Molecular consequence: missense variant.
Genome position (GRCh38, 1-based): chr15:31,028,395, A>G on the plus strand (T>C on the coding strand, the complement: TRPM1 is on the minus strand). VCF-style: chr15-31028395-A-G. GRCh37 (hg19) VCF-style: chr15-31320598-A-G.
Other names: c.3281T>C, p.Leu1094Pro (NM_001252020.2); c.3164T>C, p.Leu1055Pro (NM_002420.6); short protein forms L1055P, L1077P, L1094P.
Identifiers: ClinVar variation 3347187 (VCV003347187.1).